The following is an entry in ClinVar:

NM_001211.6(BUB1B):c.5C>T (p.Ala2Val)

Genes: BUB1B (BUB1 mitotic checkpoint serine/threonine kinase B; plus strand), LOC130056830 (ATAC-STARR-seq lymphoblastoid active region 9236; plus strand). Cytogenetic location: 15q15.1.
Variant type: single nucleotide variant.
Coding change: c.5C>T on transcript NM_001211.6 (MANE Select); coding-DNA position 5, C replaced by T.
Protein change: p.Ala2Val; replaces alanine 2 with valine.
Molecular consequence: missense variant.
Genome position (GRCh38, 1-based): chr15:40,161,225, C>T. VCF-style: chr15-40161225-C-T. GRCh37 (hg19) VCF-style: chr15-40453426-C-T.
Other names: short protein forms A2V.
Identifiers: ClinVar variation 3483230 (VCV003483230.1).

ClinVar aggregate classification (germline): Uncertain significance (1 of 4 stars; one submission).

Conditions:
Inborn genetic diseases. Identifiers: MedGen C0950123, MeSH D030342.

Submission:

Ambry Genetics
Classification: Uncertain significance for Inborn genetic diseases. Last evaluated: 2024-11-05. Review status: criteria provided, single submitter. Criteria: Ambry Variant Classification Scheme 2023. Collection method: clinical testing. Allele origin: germline.
Comment: The p.A2V variant (also known as c.5C>T), located in coding exon 1 of the BUB1B gene, results from a C to T substitution at nucleotide position 5. The alanine at codon 2 is replaced by valine, an amino acid with similar properties. This amino acid position is conserved. In addition, this alteration is predicted to be tolerated by in silico analysis. Based on the available evidence, the clinical significance of this variant remains unclear.